The following is an entry in ClinVar:

ClinVar aggregate classification (germline): Uncertain significance (1 of 4 stars; one submission).

Allele frequency attached by ClinVar (database versions not stated): gnomAD exomes below 0.00001; TOPMed below 0.00001; gnomAD 0.00001.
gnomAD v4.1: 7 of 1,612,962 alleles (0.00043%); highest among the groups gnomAD compares: Non-Finnish European, 0.00051%; no homozygotes.

Submission:

Labcorp Genetics (formerly Invitae), Labcorp
Classification: Uncertain significance. Last evaluated: 2022-03-29. Review status: criteria provided, single submitter. Criteria: Invitae Variant Classification Sherloc (09022015). Collection method: clinical testing. Allele origin: germline.
Comment: In summary, the available evidence is currently insufficient to determine the role of this variant in disease. Therefore, it has been classified as a Variant of Uncertain Significance. Algorithms developed to predict the effect of missense changes on protein structure and function are either unavailable or do not agree on the potential impact of this missense change (SIFT: "Tolerated"; PolyPhen-2: "Probably Damaging"; Align-GVGD: "Class C0"). This variant has not been reported in the literature in individuals affected with AGBL5-related conditions. This variant is not present in population databases (gnomAD no frequency). This sequence change replaces glycine, which is neutral and non-polar, with serine, which is neutral and polar, at codon 499 of the AGBL5 protein (p.Gly499Ser).

NM_021831.6(AGBL5):c.1495G>A (p.Gly499Ser)

Gene: AGBL5 (AGBL carboxypeptidase 5; plus strand). Cytogenetic location: 2p23.3.
Variant type: single nucleotide variant.
Coding change: c.1495G>A on transcript NM_021831.6 (MANE Select); coding-DNA position 1495, G replaced by A.
Protein change: p.Gly499Ser; replaces glycine 499 with serine.
Molecular consequence: missense variant. On other transcripts: non-coding transcript variant (2).
Genome position (GRCh38, 1-based): chr2:27,056,752, G>A. VCF-style: chr2-27056752-G-A. GRCh37 (hg19) VCF-style: chr2-27279620-G-A.
Other names: c.1495G>A, p.Gly499Ser (NM_001035506.1, NM_001035507.3); short protein forms G499S.
Identifiers: ClinVar variation 1927281 (VCV001927281.5), dbSNP rs776863717, ClinGen allele CA44464787.